The following is an entry in ClinVar:

NM_000283.4(PDE6B):c.49G>T (p.Asp17Tyr)

Gene: PDE6B (phosphodiesterase 6B; plus strand). Cytogenetic location: 4p16.3.
Variant type: single nucleotide variant.
Coding change: c.49G>T on transcript NM_000283.4 (MANE Select); coding-DNA position 49, G replaced by T.
Protein change: p.Asp17Tyr; replaces aspartic acid 17 with tyrosine.
Molecular consequence: missense variant.
Genome position (GRCh38, 1-based): chr4:625,675, G>T. VCF-style: chr4-625675-G-T. GRCh37 (hg19) VCF-style: chr4-619464-G-T.
Other names: c.49G>T, p.Asp17Tyr (NM_001145291.2); short protein forms D17Y.
Identifiers: ClinVar variation 1716213 (VCV001716213.5), dbSNP rs866891056, ClinGen allele CA355905981.
Genomic context (GRCh38, chr4:625,675, plus strand): 5'-CAGGCAGCCACCATGAGCCTCAGTGAGGAGCAGGCCCGGAGCTTTCTGGACCAGAACCCC[G>T]ATTTTGCCCGCCAGTACTTTGGGAAGAAACTGAGCCCTGAGAATGTGGCCGCGGCCTGCG-3'
Protein context (NP_000274.3, residues 7-27): QARSFLDQNP[Asp17Tyr]FARQYFGKKL

ClinVar aggregate classification (germline): Uncertain significance (1 of 4 stars; one submission).

Submission:

Labcorp Genetics (formerly Invitae), Labcorp
Classification: Uncertain significance. Last evaluated: 2023-11-13. Review status: criteria provided, single submitter. Criteria: Invitae Variant Classification Sherloc (09022015). Collection method: clinical testing. Allele origin: germline.
Comment: This sequence change replaces aspartic acid, which is acidic and polar, with tyrosine, which is neutral and polar, at codon 17 of the PDE6B protein (p.Asp17Tyr). This variant is not present in population databases (gnomAD no frequency). This variant has not been reported in the literature in individuals affected with PDE6B-related conditions. ClinVar contains an entry for this variant (Variation ID: 1716213). Advanced modeling of protein sequence and biophysical properties (such as structural, functional, and spatial information, amino acid conservation, physicochemical variation, residue mobility, and thermodynamic stability) has been performed at Invitae for this missense variant, however the output from this modeling did not meet the statistical confidence thresholds required to predict the impact of this variant on PDE6B protein function. In summary, the available evidence is currently insufficient to determine the role of this variant in disease. Therefore, it has been classified as a Variant of Uncertain Significance.